The following is an entry in ClinVar:

ClinVar aggregate classification (germline): Uncertain significance. Review status: criteria provided, multiple submitters, no conflicts (2 of 4 stars). 3 submissions from 3 submitters: Uncertain significance (3). Last evaluated 2026-07-08.

Conditions:
Juvenile polyposis syndrome (JPS). Identifiers: Orphanet 2929, MedGen C0345893, MONDO:0017380, OMIM 174900.
Hereditary cancer-predisposing syndrome. Also called: Hereditary Cancer Syndrome; Tumor predisposition; Neoplastic Syndromes, Hereditary; Hereditary neoplastic syndrome. Identifiers: Orphanet 140162, MedGen C0027672, MeSH D009386, MONDO:0015356.
Familial thoracic aortic aneurysm and aortic dissection (TAAD). Also called: Thoracic aortic aneurysms and dissections. Identifiers: Orphanet 91387, MedGen C4707243, MONDO:0019625.

Allele frequency attached by ClinVar (database versions not stated): gnomAD exomes below 0.00001.
gnomAD v4.1: 2 of 1,614,186 alleles (0.00012%); highest among the groups gnomAD compares: Non-Finnish European, 0.00017%; no homozygotes.

Submissions (3):

Ambry Genetics
Classification: Uncertain significance for Hereditary cancer-predisposing syndrome; Familial thoracic aortic aneurysm and aortic dissection. Last evaluated: 2026-07-08. Review status: criteria provided, single submitter. Criteria: Ambry Variant Classification Scheme 2023. Collection method: clinical testing. Allele origin: germline.
Comment: The p.I527T variant (also known as c.1580T>C), located in coding exon 11 of the SMAD4 gene, results from a T to C substitution at nucleotide position 1580. The isoleucine at codon 527 is replaced by threonine, an amino acid with similar properties. This amino acid position is conserved. In addition, this alteration is predicted to be deleterious by in silico analysis. Based on the available evidence, the clinical significance of this variant remains unclear.

Color Diagnostics, LLC DBA Color Health
Classification: Uncertain significance for Hereditary cancer-predisposing syndrome. Last evaluated: 2025-07-20. Review status: criteria provided, single submitter. Criteria: ACMG Guidelines, 2015. Collection method: clinical testing. Allele origin: germline.
Comment: This missense variant replaces isoleucine with threonine at codon 527 of the SMAD4 protein. Computational prediction suggests that this variant may have deleterious impact on protein structure and function. To our knowledge, functional studies have not been reported for this variant. This variant has not been reported in individuals affected with SMAD4-related disorders in the literature. This variant has not been identified in the general population by the Genome Aggregation Database (gnomAD). The available evidence is insufficient to determine the role of this variant in disease conclusively. Therefore, this variant is classified as a Variant of Uncertain Significance.

Labcorp Genetics (formerly Invitae), Labcorp
Classification: Uncertain significance for Juvenile polyposis syndrome. Last evaluated: 2024-03-14. Review status: criteria provided, single submitter. Criteria: Invitae Variant Classification Sherloc (09022015). Collection method: clinical testing. Allele origin: germline.
Comment: This sequence change replaces isoleucine, which is neutral and non-polar, with threonine, which is neutral and polar, at codon 527 of the SMAD4 protein (p.Ile527Thr). This variant is not present in population databases (gnomAD no frequency). This variant has not been reported in the literature in individuals affected with SMAD4-related conditions. ClinVar contains an entry for this variant (Variation ID: 1493848). Advanced modeling of protein sequence and biophysical properties (such as structural, functional, and spatial information, amino acid conservation, physicochemical variation, residue mobility, and thermodynamic stability) has been performed at Invitae for this missense variant, however the output from this modeling did not meet the statistical confidence thresholds required to predict the impact of this variant on SMAD4 protein function. In summary, the available evidence is currently insufficient to determine the role of this variant in disease. Therefore, it has been classified as a Variant of Uncertain Significance.

NM_005359.6(SMAD4):c.1580T>C (p.Ile527Thr)

Gene: SMAD4 (SMAD family member 4; plus strand). Cytogenetic location: 18q21.2.
Variant type: single nucleotide variant.
Coding change: c.1580T>C on transcript NM_005359.6 (MANE Select); coding-DNA position 1580, T replaced by C.
Protein change: p.Ile527Thr; replaces isoleucine 527 with threonine.
Molecular consequence: missense variant.
Genome position (GRCh38, 1-based): chr18:51,078,388, T>C. VCF-style: chr18-51078388-T-C. GRCh37 (hg19) VCF-style: chr18-48604758-T-C.
Other names: c.1580T>C (NM_005359.5); short protein forms I527T.
Identifiers: ClinVar variation 1493848 (VCV001493848.9), dbSNP rs2144479158, ClinGen allele CA402466082.
Genomic context (GRCh38, chr18:51,078,388, plus strand): 5'-AAGGCTGGGGACCGGATTACCCAAGACAGAGCATCAAAGAAACACCTTGCTGGATTGAAA[T>C]TCACTTACACCGGGCCCTCCAGCTCCTAGACGAAGTACTTCATACCATGCCGATTGCAGA-3'
Protein context (NP_005350.1, residues 517-537): SIKETPCWIE[Ile527Thr]HLHRALQLLD